The following is an entry in ClinVar:

ClinVar aggregate classification (germline): Conflicting classifications of pathogenicity. Review status: criteria provided, conflicting classifications (1 of 4 stars). 3 submissions from 3 submitters: Uncertain significance (2); Likely benign (1). Last evaluated 2025-06-04.

Conditions:
Familial sleep-related hypermotor epilepsy. Also called: Autosomal Dominant Sleep-Related Hypermotor (Hyperkinetic) Epilepsy. Identifiers: Orphanet 98784, MedGen C3696898, MONDO:0000030.
Inborn genetic diseases. Identifiers: MedGen C0950123, MeSH D030342.

Allele frequency attached by ClinVar (database versions not stated): gnomAD 0.00001; TOPMed 0.00001; 1000 Genomes Project 30x 0.00016; gnomAD exomes 0.00001; ExAC 0.00002.
gnomAD v4.1: 10 of 1,592,244 alleles (0.00063%); highest among the groups gnomAD compares: Admixed American, 0.016%; no homozygotes.

Submissions (3):

Labcorp Genetics (formerly Invitae), Labcorp
Classification: Likely benign. Last evaluated: 2025-06-04. Review status: criteria provided, single submitter. Criteria: Invitae Variant Classification Sherloc (09022015). Collection method: clinical testing. Allele origin: germline.

Ambry Genetics
Classification: Uncertain significance for Inborn genetic diseases. Last evaluated: 2021-08-13. Review status: criteria provided, single submitter. Criteria: Ambry Variant Classification Scheme 2023. Collection method: clinical testing. Allele origin: germline.

GeneDx
Classification: Uncertain significance. Last evaluated: 2018-11-27. Review status: criteria provided, single submitter. Criteria: GeneDx Variant Classification (06012015). Collection method: clinical testing. Allele origin: germline. Affected: yes.
Comment: A variant of uncertain significance has been identified in the CHRNA4 gene. The P411H variant has not been published as a pathogenic variant, nor has it been reported as a benign variant to our knowledge. The P411H variant is not observed in large population cohorts (Lek et al., 2016). The P411H variant is a non-conservative amino acid substitution, which is likely to impact secondary protein structure as these residues differ in polarity, charge, size and/or other properties. However, in-silico analyses, including protein predictors and evolutionary conservation, support that this variant does not alter protein structure/function. This amino acid substitution is not predicted to occur within the transmembrane region of the protein, where the vast majority of pathogenic missense variants have been identified in association with epilepsy (Steinlein et al., 2010). Therefore, based on the currently available information, it is unclear whether this variant is a pathogenic variant or a rare benign variant.

NM_000744.7(CHRNA4):c.1232C>A (p.Pro411His)

Gene: CHRNA4 (cholinergic receptor nicotinic alpha 4 subunit; minus strand). Cytogenetic location: 20q13.33.
Variant type: single nucleotide variant.
Coding change: c.1232C>A on transcript NM_000744.7 (MANE Select); coding-DNA position 1232, C replaced by A.
Protein change: p.Pro411His; replaces proline 411 with histidine.
Molecular consequence: missense variant. On other transcripts: non-coding transcript variant (1).
Genome position (GRCh38, 1-based): chr20:63,350,179, G>T on the plus strand (C>A on the coding strand, the complement: CHRNA4 is on the minus strand). VCF-style: chr20-63350179-G-T. GRCh37 (hg19) VCF-style: chr20-61981531-G-T.
Other names: p.P411H:CCC>CAC; c.704C>A, p.Pro235His (NM_001256573.2); short protein forms P411H, P235H.
Identifiers: ClinVar variation 205025 (VCV000205025.8), dbSNP rs779035642, ClinGen allele CA313569.